The following is an entry in ClinVar:

ClinVar aggregate classification (germline): Uncertain significance (1 of 4 stars; one submission).

Allele frequency attached by ClinVar (database versions not stated): gnomAD 0.00001; gnomAD exomes 0.00001; TOPMed 0.00001; ExAC 0.00002.
gnomAD v4.1: 13 of 1,613,978 alleles (0.00081%); highest among the groups gnomAD compares: African/African-American, 0.0013%; no homozygotes.

Submission:

Labcorp Genetics (formerly Invitae), Labcorp
Classification: Uncertain significance. Last evaluated: 2022-08-09. Review status: criteria provided, single submitter. Criteria: Invitae Variant Classification Sherloc (09022015). Collection method: clinical testing. Allele origin: germline.
Comment: In summary, the available evidence is currently insufficient to determine the role of this variant in disease. Therefore, it has been classified as a Variant of Uncertain Significance. Algorithms developed to predict the effect of missense changes on protein structure and function (SIFT, PolyPhen-2, Align-GVGD) all suggest that this variant is likely to be disruptive. ClinVar contains an entry for this variant (Variation ID: 1483464). This missense change has been observed in individual(s) with primary congenital glaucoma (PMID: 27293371). This variant is present in population databases (rs763035721, gnomAD 0.003%). This sequence change replaces glutamic acid, which is acidic and polar, with lysine, which is basic and polar, at codon 1794 of the LTBP2 protein (p.Glu1794Lys).

Literature cited by the submitters: PubMed 27293371.

NM_000428.3(LTBP2):c.5380G>A (p.Glu1794Lys)

Gene: LTBP2 (latent transforming growth factor beta binding protein 2; minus strand). Cytogenetic location: 14q24.3.
Variant type: single nucleotide variant.
Coding change: c.5380G>A on transcript NM_000428.3 (MANE Select); coding-DNA position 5380, G replaced by A.
Protein change: p.Glu1794Lys; replaces glutamic acid 1794 with lysine.
Molecular consequence: missense variant.
Genome position (GRCh38, 1-based): chr14:74,500,970, C>T on the plus strand (G>A on the coding strand, the complement: LTBP2 is on the minus strand). VCF-style: chr14-74500970-C-T. GRCh37 (hg19) VCF-style: chr14-74967673-C-T.
Other names: short protein forms E1794K.
Identifiers: ClinVar variation 1483464 (VCV001483464.7), dbSNP rs763035721, ClinGen allele CA7268413.